The following is an entry in ClinVar:

NM_004281.4(BAG3):c.1381_1382delinsTT (p.Glu461Leu)

Gene: BAG3 (BAG cochaperone 3; plus strand). Cytogenetic location: 10q26.11.
Variant type: Indel.
Coding change: c.1381_1382delinsTT on transcript NM_004281.4 (MANE Select); coding-DNA positions 1381 to 1382, GA replaced by TT.
Protein change: p.Glu461Leu; replaces glutamic acid 461 with leucine.
Molecular consequence: missense variant.
Genome position (GRCh38, 1-based): chr10:119,676,935-119,676,936, GA replaced by TT. VCF-style: chr10-119676935-GA-TT. GRCh37 (hg19) VCF-style: chr10-121436447-GA-TT.
Other names: short protein forms E461L.
Identifiers: ClinVar variation 3984692 (VCV003984692.2).

ClinVar aggregate classification (germline): Uncertain significance. Review status: criteria provided, multiple submitters, no conflicts (2 of 4 stars). 2 submissions from 2 submitters: Uncertain significance (2). Last evaluated 2025-12-13.

Conditions:
Dilated cardiomyopathy 1HH (CMD1HH). Identifiers: Orphanet 154, MedGen C3151293, MONDO:0013479, OMIM 613881.
Myofibrillar myopathy 6. Identifiers: Orphanet 199340, MedGen C2751831, MONDO:0013061, OMIM 612954.
Cardiovascular phenotype. Identifiers: MedGen CN230736.

Submissions (2):

Labcorp Genetics (formerly Invitae), Labcorp
Classification: Uncertain significance for Dilated cardiomyopathy 1HH; Myofibrillar myopathy 6. Last evaluated: 2025-12-13. Review status: criteria provided, single submitter. Criteria: Invitae Variant Classification Sherloc (09022015). Collection method: clinical testing. Allele origin: germline.
Comment: This sequence change replaces glutamic acid, which is acidic and polar, with leucine, which is neutral and non-polar, at codon 461 of the BAG3 protein (p.Glu461Leu). Information on the frequency of this variant in the gnomAD database is not available, as this variant may be reported differently in the database. This variant has not been reported in the literature in individuals affected with BAG3-related conditions. ClinVar contains an entry for this variant (Variation ID: 3984692). Experimental studies and prediction algorithms are not available or were not evaluated, and the functional significance of this variant is currently unknown. In summary, the available evidence is currently insufficient to determine the role of this variant in disease. Therefore, it has been classified as a Variant of Uncertain Significance.

Ambry Genetics
Classification: Uncertain significance for Cardiovascular phenotype. Last evaluated: 2025-06-09. Review status: criteria provided, single submitter. Criteria: Ambry Variant Classification Scheme 2023. Collection method: clinical testing. Allele origin: germline.
Comment: The c.1381_1382delGAinsTT variant (also known as p.E461L), located in coding exon 4 of the BAG3 gene, results from an in-frame deletion of GA and insertion of TT at nucleotide positions 1381 to 1382. This results in the substitution of the glutamic acid residue for a leucine residue at codon 461, an amino acid with dissimilar properties. This amino acid position is highly conserved in available vertebrate species. In addition, the in silico prediction for this variant is inconclusive (Choi Y et al. PLoS ONE. 2012; 7(10):e46688). Based on the available evidence, the clinical significance of this variant remains unclear.